The following is an entry in ClinVar:

ClinVar aggregate classification (germline): Pathogenic/Likely pathogenic. Review status: criteria provided, multiple submitters, no conflicts (2 of 4 stars). 4 submissions from 4 submitters: Pathogenic (1); Likely pathogenic (2). 1 of the submissions does not count toward it. Last evaluated 2025-04-18.

Conditions:
PYCR1-related de Barsy syndrome. Also called: CUTIS LAXA, AUTOSOMAL RECESSIVE, TYPE IIIB; DE BARSY SYNDROME B. Identifiers: Orphanet 293633, Orphanet 2962, MedGen C3280799, MONDO:0013755, OMIM 614438.
Autosomal recessive cutis laxa type 2B (ARCL2B). Also called: CUTIS LAXA, AUTOSOMAL RECESSIVE, TYPE IIB; CUTIS LAXA WITH PROGEROID FEATURES. Identifiers: Orphanet 357064, MedGen C2751987, MONDO:0013051, OMIM 612940. Disease mechanism: loss of function.

Submissions (4):

GeneDx
Classification: Pathogenic. Last evaluated: 2025-04-18. Review status: criteria provided, single submitter. Criteria: GeneDx Variant Classification Process June 2021. Collection method: clinical testing. Allele origin: germline. Affected: yes.
Comment: Canonical splice site variant predicted to result in a null allele in a gene for which loss of function is a known mechanism of disease; Not observed at significant frequency in large population cohorts (gnomAD); This variant is associated with the following publications: (PMID: 35183220, 30450527, 36964972, 19648921)

Fulgent Genetics
Classification: Likely pathogenic for Autosomal recessive cutis laxa type 2B; PYCR1-related de Barsy syndrome. Last evaluated: 2024-04-09. Review status: criteria provided, single submitter. Criteria: ACMG Guidelines, 2015. Collection method: clinical testing. Allele origin: germline.

Department of Pathology and Laboratory Medicine, Sinai Health System
Classification: Likely pathogenic for Autosomal recessive cutis laxa type 2B; PYCR1-related de Barsy syndrome. Last evaluated: 2023-01-10. Review status: criteria provided, single submitter. Criteria: ACMG Guidelines, 2015. Collection method: research. Allele origin: germline.

OMIM
Classification: Pathogenic for CUTIS LAXA, AUTOSOMAL RECESSIVE, TYPE IIB. Last evaluated: 2009-09-01. Review status: no assertion criteria provided. Collection method: literature only. Allele origin: germline. Not counted in ClinVar's aggregate classification.

Literature cited by the submitters: PubMed 11424136 (cited by OMIM); PubMed 19648921 (cited by OMIM).

NM_006907.4(PYCR1):c.797+2_797+5del

Gene: PYCR1 (pyrroline-5-carboxylate reductase 1; minus strand). Cytogenetic location: 17q25.3.
Variant type: Deletion.
Coding change: c.797+2_797+5del on transcript NM_006907.4 (MANE Select); the canonical splice donor site of the intron after coding-DNA position 797 through 5 bases into the intron after coding-DNA position 797, 4 bases deleted (TGGG; older notation c.797+2_797+5delTGGG).
Molecular consequence: splice donor variant. On other transcripts: intron variant (1).
Genome position (GRCh38, 1-based): chr17:81,934,321-81,934,324, CCCA deleted on the plus strand (TGGG on the coding strand, the reverse complement: PYCR1 is on the minus strand); deleting any 4 consecutive bases within chr17:81,934,321-81,934,326 gives the same sequence; the c. name uses the placement nearest the transcript's 3' end. VCF-style (leftmost placement, unchanged base first): chr17-81934320-GCCCA-G. GRCh37 (hg19) VCF-style: chr17-79892196-GCCCA-G.
Other names: c.797+2_797+5del (NM_001282280.2, NM_153824.3); c.878+2_878+5del (NM_001282281.2); c.704+2_704+5del (NM_001282279.2); c.633+329_633+332del (NM_001330523.2).
Identifiers: ClinVar variation 13194 (VCV000013194.4), dbSNP rs1371235353, ClinGen allele CA775690777.
Genomic context (GRCh38, chr17:81,934,320, plus strand): 5'-TGTGTGAGAGAGGCCTCTGCCATGCAAGGACTGGAGACCAGGGAAGCGGGCAGCGCGGGG[GCCCA>G]CCGTGTGCGGATGCAGGAGGCCTCCACAGCGTTGATGAGCAGGGAGCGGAAGCCCCCACT-3'